The following is an entry in ClinVar:

ClinVar aggregate classification (germline): Uncertain significance. Review status: criteria provided, multiple submitters, no conflicts (2 of 4 stars). 2 submissions from 2 submitters: Uncertain significance (2). Last evaluated 2022-12-28.

Conditions:
Oculocerebrofacial syndrome, Kaufman type. Also called: Blepharophimosis-ptosis-intellectual disability syndrome. Identifiers: Orphanet 2707, MedGen C1855663, MONDO:0009485, OMIM 244450.
Inborn genetic diseases. Identifiers: MedGen C0950123, MeSH D030342.

Allele frequency attached by ClinVar (database versions not stated): gnomAD 0.00001; ExAC 0.00002; gnomAD exomes 0.00002 and 0.00003; TOPMed 0.00002.
gnomAD v4.1: 38 of 1,613,930 alleles (0.0024%); highest among the groups gnomAD compares: South Asian, 0.0066%; no homozygotes.

Submissions (2):

Ambry Genetics
Classification: Uncertain significance for Inborn genetic diseases. Last evaluated: 2022-12-28. Review status: criteria provided, single submitter. Criteria: Ambry Variant Classification Scheme 2023. Collection method: clinical testing. Allele origin: germline.

Baylor Genetics
Classification: Uncertain significance for Oculocerebrofacial syndrome, Kaufman type. Last evaluated: 2019-09-25. Review status: criteria provided, single submitter. Criteria: ACMG Guidelines, 2015. Collection method: clinical testing. Allele origin: unknown. Affected: yes.
Comment: This variant was determined to be of uncertain significance according to ACMG Guidelines, 2015 [PMID:25741868].

NM_130466.4(UBE3B):c.893G>A (p.Arg298His)

Gene: UBE3B (ubiquitin protein ligase E3B; plus strand). Cytogenetic location: 12q24.11.
Variant type: single nucleotide variant.
Coding change: c.893G>A on transcript NM_130466.4 (MANE Select); coding-DNA position 893, G replaced by A.
Protein change: p.Arg298His; replaces arginine 298 with histidine.
Molecular consequence: missense variant.
Genome position (GRCh38, 1-based): chr12:109,498,306, G>A. VCF-style: chr12-109498306-G-A. GRCh37 (hg19) VCF-style: chr12-109936111-G-A.
Other names: c.893G>A, p.Arg298His (NM_183415.3); c.893G>A (NM_130466.2); short protein forms R298H.
Identifiers: ClinVar variation 1028546 (VCV001028546.4), dbSNP rs755402322, ClinGen allele CA6777735.